The following is an entry in ClinVar:

NM_173477.5(USH1G):c.*1821C>G

Gene: USH1G (USH1 protein network component sans; minus strand). Cytogenetic location: 17q25.1.
Variant type: single nucleotide variant.
Coding change: c.*1821C>G on transcript NM_173477.5 (MANE Select); 1821 bases downstream of the stop codon, C replaced by G.
Molecular consequence: 3 prime UTR variant.
Genome position (GRCh38, 1-based): chr17:74,916,252, G>C on the plus strand (C>G on the coding strand, the complement: USH1G is on the minus strand). VCF-style: chr17-74916252-G-C. GRCh37 (hg19) VCF-style: chr17-72912344-G-C.
Other names: c.*1821C>G (NM_001282489.3).
Identifiers: ClinVar variation 889341 (VCV000889341.4), dbSNP rs74943260, ClinGen allele CA293981090.

ClinVar aggregate classification (germline): Likely benign (1 of 4 stars; one submission).

Conditions:
Usher syndrome type 1G. Also called: USHER SYNDROME, TYPE IG, MILD. Identifiers: Orphanet 231169, Orphanet 886, MedGen C1847089, MONDO:0011748, OMIM 606943.

Allele frequency attached by ClinVar (database versions not stated): gnomAD 0.00056 and 0.00081; TOPMed 0.00082; 1000 Genomes Project 30x 0.00578; 1000 Genomes Project 0.00599.

Submission:

Illumina Laboratory Services, Illumina
Classification: Likely benign for Usher syndrome type 1G. Last evaluated: 2018-01-13. Review status: criteria provided, single submitter. Criteria: ICSL Variant Classification Criteria 13 December 2019. Collection method: clinical testing. Allele origin: germline.
Comment: This variant was observed in the ICSL laboratory as part of a predisposition screen in an ostensibly healthy population. It had not been previously curated by ICSL or reported in the Human Gene Mutation Database (HGMD: prior to June 1st, 2018), and was therefore a candidate for classification through an automated scoring system. Utilizing variant allele frequency, disease prevalence and penetrance estimates, and inheritance mode, an automated score was calculated to assess if this variant is too frequent to cause the disease. Based on the score and internal cut-off values, a variant classified as likely benign is not then subjected to further curation. The score for this variant resulted in a classification of likely benign for this disease.